The following is an entry in ClinVar:

ClinVar aggregate classification (germline): Uncertain significance (1 of 4 stars; one submission).

Allele frequency attached by ClinVar (database versions not stated): ExAC 0.00002; gnomAD exomes 0.00002; gnomAD 0.00003; TOPMed 0.00003.

Submission:

Labcorp Genetics (formerly Invitae), Labcorp
Classification: Uncertain significance. Last evaluated: 2022-11-15. Review status: criteria provided, single submitter. Criteria: Invitae Variant Classification Sherloc (09022015). Collection method: clinical testing. Allele origin: germline.
Comment: This variant is present in population databases (rs200053335, gnomAD 0.01%). This sequence change replaces glutamine, which is neutral and polar, with histidine, which is basic and polar, at codon 482 of the MARS2 protein (p.Gln482His). This variant has not been reported in the literature in individuals affected with MARS2-related conditions. In summary, the available evidence is currently insufficient to determine the role of this variant in disease. Therefore, it has been classified as a Variant of Uncertain Significance. Advanced modeling of protein sequence and biophysical properties (such as structural, functional, and spatial information, amino acid conservation, physicochemical variation, residue mobility, and thermodynamic stability) performed at Invitae indicates that this missense variant is not expected to disrupt MARS2 protein function. ClinVar contains an entry for this variant (Variation ID: 1386496).

NM_138395.4(MARS2):c.1446A>T (p.Gln482His)

Gene: MARS2 (methionyl-tRNA synthetase 2, mitochondrial; plus strand). Cytogenetic location: 2q33.1.
Variant type: single nucleotide variant.
Coding change: c.1446A>T on transcript NM_138395.4 (MANE Select); coding-DNA position 1446, A replaced by T.
Protein change: p.Gln482His; replaces glutamine 482 with histidine.
Molecular consequence: missense variant.
Genome position (GRCh38, 1-based): chr2:197,706,851, A>T. VCF-style: chr2-197706851-A-T. GRCh37 (hg19) VCF-style: chr2-198571575-A-T.
Other names: short protein forms Q482H.
Identifiers: ClinVar variation 1386496 (VCV001386496.8), dbSNP rs200053335, ClinGen allele CA2044765.